The following is an entry in ClinVar:

NM_002907.4(RECQL):c.981T>C (p.Ser327=)

Gene: RECQL (RecQ like helicase; minus strand). Cytogenetic location: 12p12.1.
Variant type: single nucleotide variant.
Coding change: c.981T>C on transcript NM_002907.4 (MANE Select); coding-DNA position 981, T replaced by C.
Protein change: p.Ser327=; no amino-acid change (serine 327 retained).
Molecular consequence: synonymous variant.
Genome position (GRCh38, 1-based): chr12:21,475,793, A>G on the plus strand (T>C on the coding strand, the complement: RECQL is on the minus strand). VCF-style: chr12-21475793-A-G. GRCh37 (hg19) VCF-style: chr12-21628727-A-G.
Other names: c.981T>C, p.Ser327= (NM_032941.3).
Identifiers: ClinVar variation 4533065 (VCV004533065.1).

ClinVar aggregate classification (germline): Uncertain significance (1 of 4 stars; one submission).

Submission:

Quest Diagnostics Nichols Institute San Juan Capistrano
Classification: Uncertain significance. Last evaluated: 2025-02-13. Review status: criteria provided, single submitter. Criteria: Quest Diagnostics criteria. Collection method: clinical testing. Allele origin: unknown.
Comment: The RECQL c.981T>C (p.Ser327=) synonymous variant has not been reported in individuals with RECQL-related conditions in the published literature. It also has not been reported in large, multi-ethnic general populations (Genome Aggregation Database). Analysis of this variant using software algorithms for the prediction of the effect of nucleotide changes on splicing yielded predictions that this variant does not affect RECQL mRNA splicing. Based on the available information, we are unable to determine the clinical significance of this variant.